The following is an entry in ClinVar:

ClinVar aggregate classification (germline): Uncertain significance. Review status: criteria provided, multiple submitters, no conflicts (2 of 4 stars). 3 submissions from 3 submitters: Uncertain significance (3). Last evaluated 2024-06-17.

Conditions:
Hereditary cancer-predisposing syndrome. Also called: Neoplastic Syndromes, Hereditary; Tumor predisposition; Hereditary Cancer Syndrome; Hereditary neoplastic syndrome. Identifiers: Orphanet 140162, MedGen C0027672, MeSH D009386, MONDO:0015356.
Renal cell carcinoma. Identifiers: Orphanet 217071, MedGen C0007134, MeSH D002292, MONDO:0005086, HP:0005584.

Submissions (3):

GeneDx
Classification: Uncertain significance. Last evaluated: 2024-06-17. Review status: criteria provided, single submitter. Criteria: GeneDx Variant Classification Process June 2021. Collection method: clinical testing. Allele origin: germline. Affected: yes.
Comment: Not observed at significant frequency in large population cohorts (gnomAD); In silico analysis supports that this missense variant has a deleterious effect on protein structure/function; Has not been previously published as pathogenic or benign to our knowledge

Labcorp Genetics (formerly Invitae), Labcorp
Classification: Uncertain significance for Renal cell carcinoma. Last evaluated: 2023-12-24. Review status: criteria provided, single submitter. Criteria: Invitae Variant Classification Sherloc (09022015). Collection method: clinical testing. Allele origin: germline.
Comment: This sequence change replaces proline, which is neutral and non-polar, with alanine, which is neutral and non-polar, at codon 712 of the MET protein (p.Pro712Ala). This variant is not present in population databases (gnomAD no frequency). This variant has not been reported in the literature in individuals affected with MET-related conditions. ClinVar contains an entry for this variant (Variation ID: 1786451). Advanced modeling of protein sequence and biophysical properties (such as structural, functional, and spatial information, amino acid conservation, physicochemical variation, residue mobility, and thermodynamic stability) performed at Invitae indicates that this missense variant is not expected to disrupt MET protein function with a negative predictive value of 80%. In summary, the available evidence is currently insufficient to determine the role of this variant in disease. Therefore, it has been classified as a Variant of Uncertain Significance.

Ambry Genetics
Classification: Uncertain significance for Hereditary cancer-predisposing syndrome. Last evaluated: 2022-07-09. Review status: criteria provided, single submitter. Criteria: Ambry Variant Classification Scheme 2023. Collection method: clinical testing. Allele origin: germline.
Comment: The p.P712A variant (also known as c.2134C>G), located in coding exon 8 of the MET gene, results from a C to G substitution at nucleotide position 2134. The proline at codon 712 is replaced by alanine, an amino acid with highly similar properties. This amino acid position is conserved. In addition, the in silico prediction for this alteration is inconclusive. Since supporting evidence is limited at this time, the clinical significance of this alteration remains unclear.

NM_000245.4(MET):c.2134C>G (p.Pro712Ala)

Gene: MET (MET proto-oncogene, receptor tyrosine kinase; plus strand). Cytogenetic location: 7q31.2.
Variant type: single nucleotide variant.
Coding change: c.2134C>G on transcript NM_000245.4 (MANE Select); coding-DNA position 2134, C replaced by G.
Protein change: p.Pro712Ala; replaces proline 712 with alanine.
Molecular consequence: missense variant.
Genome position (GRCh38, 1-based): chr7:116,758,490, C>G. VCF-style: chr7-116758490-C-G. GRCh37 (hg19) VCF-style: chr7-116398544-C-G.
Other names: c.2134C>G, p.Pro712Ala (NM_001127500.3, NM_001324401.3); c.844C>G, p.Pro282Ala (NM_001324402.2); short protein forms P712A, P282A.
Identifiers: ClinVar variation 1786451 (VCV001786451.6), dbSNP rs1253894496, ClinGen allele CA368980484.